The following is an entry in ClinVar:

ClinVar aggregate classification (germline): Uncertain significance. Review status: criteria provided, single submitter (1 of 4 stars). 2 submissions from 2 submitters: Uncertain significance (1). 1 of the submissions does not count toward it. Last evaluated 2025-10-18.

Conditions:
CHD3-related disorder. Also called: CHD3-related condition.
Inborn genetic diseases. Identifiers: MedGen C0950123, MeSH D030342.

Submissions (2):

Ambry Genetics
Classification: Uncertain significance for Inborn genetic diseases. Last evaluated: 2025-10-18. Review status: criteria provided, single submitter. Criteria: Ambry Variant Classification Scheme 2023. Collection method: clinical testing. Allele origin: germline.

PreventionGenetics, part of Exact Sciences
Classification: Uncertain significance for CHD3-related condition. Last evaluated: 2024-08-06. Review status: no assertion criteria provided. Collection method: clinical testing. Allele origin: germline. Not counted in ClinVar's aggregate classification.
Comment: The CHD3 c.1285G>C variant is predicted to result in the amino acid substitution p.Glu429Gln. To our knowledge, this variant has not been reported in the literature or in a large population database, indicating this variant is rare. At this time, the clinical significance of this variant is uncertain due to the absence of conclusive functional and genetic evidence.

NM_001005273.3(CHD3):c.1108G>C (p.Glu370Gln)

Genes: CHD3 (chromodomain helicase DNA binding protein 3; plus strand), LOC126862484 (CDK7 strongly-dependent group 2 enhancer GRCh37_chr17:7797066-7798265; plus strand). Cytogenetic location: 17p13.1.
Variant type: single nucleotide variant.
Coding change: c.1108G>C on transcript NM_001005273.3 (MANE Select); coding-DNA position 1108, G replaced by C.
Protein change: p.Glu370Gln; replaces glutamic acid 370 with glutamine.
Molecular consequence: missense variant.
Genome position (GRCh38, 1-based): chr17:7,894,447, G>C. VCF-style: chr17-7894447-G-C. GRCh37 (hg19) VCF-style: chr17-7797765-G-C.
Other names: c.1285G>C, p.Glu429Gln (NM_001005271.3); c.1108G>C, p.Glu370Gln (NM_005852.4); short protein forms E370Q, E429Q.
Identifiers: ClinVar variation 3345770 (VCV003345770.2).